The following is an entry in ClinVar:

NM_020911.2(PLXNA4):c.4017+3G>A

Gene: PLXNA4 (plexin A4; minus strand). Cytogenetic location: 7q32.3.
Variant type: single nucleotide variant.
Coding change: c.4017+3G>A on transcript NM_020911.2 (MANE Select); 3 bases into the intron after coding-DNA position 4017, G replaced by A.
Molecular consequence: intron variant.
Genome position (GRCh38, 1-based): chr7:132,174,775, C>T on the plus strand (G>A on the coding strand, the complement: PLXNA4 is on the minus strand). VCF-style: chr7-132174775-C-T. GRCh37 (hg19) VCF-style: chr7-131859534-C-T.
Other names: c.4017+3G>A (NM_001393897.1).
Identifiers: ClinVar variation 4982402 (VCV004982402.1).
Genomic context (GRCh38, chr7:132,174,775, plus strand): 5'-TGGACTTGAAGATTGCCAACACGCTCCCCTGCTCTAATGCCAGGATGGAGCACTGCTTCT[C>T]ACCTCAAGGTCCCGGAGGACAGGGTGGTCTTCAATTCCTGGGAACAGCACCCGCATGGTG-3'

ClinVar aggregate classification (germline): Likely benign (1 of 4 stars; one submission).

Conditions:
PLXNA4-related disorder. Also called: PLXNA4-related condition.

gnomAD v4.1: 10 of 1,613,572 alleles (0.00062%); highest among the groups gnomAD compares: African/African-American, 0.012%; no homozygotes.

Submission:

PreventionGenetics, part of Exact Sciences
Classification: Likely benign for PLXNA4-related condition. Last evaluated: 2024-11-10. Review status: criteria provided, single submitter. Criteria: ACMG Guidelines, 2015. Collection method: clinical testing. Allele origin: germline.
Comment: This variant is classified as likely benign based on ACMG/AMP sequence variant interpretation guidelines (Richards et al. 2015 PMID: 25741868, with internal and published modifications).